The following is an entry in ClinVar:

NM_004055.5(CAPN5):c.432C>A (p.Asn144Lys)

Gene: CAPN5 (calpain 5; plus strand). Cytogenetic location: 11q13.5.
Variant type: single nucleotide variant.
Coding change: c.432C>A on transcript NM_004055.5 (MANE Select); coding-DNA position 432, C replaced by A.
Protein change: p.Asn144Lys; replaces asparagine 144 with lysine.
Molecular consequence: missense variant. On other transcripts: non-coding transcript variant (1).
Genome position (GRCh38, 1-based): chr11:77,112,723, C>A. VCF-style: chr11-77112723-C-A. GRCh37 (hg19) VCF-style: chr11-76823769-C-A.
Other names: c.300C>A, p.Asn100Lys (NM_001425323.1); c.552C>A, p.Asn184Lys (NM_001425321.1); c.432C>A, p.Asn144Lys (NM_001425322.1); short protein forms N184K, N100K, N144K.
Identifiers: ClinVar variation 3683750 (VCV003683750.2).

ClinVar aggregate classification (germline): Uncertain significance (1 of 4 stars; one submission).

Submission:

Labcorp Genetics (formerly Invitae), Labcorp
Classification: Uncertain significance. Last evaluated: 2025-02-27. Review status: criteria provided, single submitter. Criteria: Invitae Variant Classification Sherloc (09022015). Collection method: clinical testing. Allele origin: germline.
Comment: This sequence change replaces asparagine, which is neutral and polar, with lysine, which is basic and polar, at codon 144 of the CAPN5 protein (p.Asn144Lys). This variant is not present in population databases (gnomAD no frequency). This variant has not been reported in the literature in individuals affected with CAPN5-related conditions. Invitae Evidence Modeling of protein sequence and biophysical properties (such as structural, functional, and spatial information, amino acid conservation, physicochemical variation, residue mobility, and thermodynamic stability) indicates that this missense variant is not expected to disrupt CAPN5 protein function with a negative predictive value of 80%. In summary, the available evidence is currently insufficient to determine the role of this variant in disease. Therefore, it has been classified as a Variant of Uncertain Significance.